The following is an entry in ClinVar:

NM_182919.4(TICAM1):c.723G>C (p.Glu241Asp)

Gene: TICAM1 (TIR domain containing adaptor molecule 1; minus strand). Cytogenetic location: 19p13.3.
Variant type: single nucleotide variant.
Coding change: c.723G>C on transcript NM_182919.4 (MANE Select); coding-DNA position 723, G replaced by C.
Protein change: p.Glu241Asp; replaces glutamic acid 241 with aspartic acid.
Molecular consequence: missense variant.
Genome position (GRCh38, 1-based): chr19:4,817,655, C>G on the plus strand (G>C on the coding strand, the complement: TICAM1 is on the minus strand). VCF-style: chr19-4817655-C-G. GRCh37 (hg19) VCF-style: chr19-4817667-C-G.
Other names: c.681G>C, p.Glu227Asp (NM_001385678.1); c.588G>C, p.Glu196Asp (NM_001385679.1); c.81G>C, p.Glu27Asp (NM_001385680.1); short protein forms E196D, E227D, E241D, E27D.
Identifiers: ClinVar variation 2113494 (VCV002113494.4), dbSNP rs1568365385, ClinGen allele CA403491828.

ClinVar aggregate classification (germline): Uncertain significance (1 of 4 stars; one submission).

Conditions:
Encephalopathy, acute, infection-induced (herpes-specific), susceptibility to, 6. Also called: Herpes simplex encephalitis, susceptibility to, 4. Identifiers: Orphanet 1930, MedGen C3553869, MONDO:0013921, OMIM 614850.

Submission:

Labcorp Genetics (formerly Invitae), Labcorp
Classification: Uncertain significance for Encephalopathy, acute, infection-induced (herpes-specific), susceptibility to, 6. Last evaluated: 2024-10-24. Review status: criteria provided, single submitter. Criteria: Invitae Variant Classification Sherloc (09022015). Collection method: clinical testing. Allele origin: germline.
Comment: This sequence change replaces glutamic acid, which is acidic and polar, with aspartic acid, which is acidic and polar, at codon 241 of the TICAM1 protein (p.Glu241Asp). This variant is not present in population databases (gnomAD no frequency). This variant has not been reported in the literature in individuals affected with TICAM1-related conditions. ClinVar contains an entry for this variant (Variation ID: 2113494). An algorithm developed to predict the effect of missense changes on protein structure and function (PolyPhen-2) suggests that this variant is likely to be tolerated. In summary, the available evidence is currently insufficient to determine the role of this variant in disease. Therefore, it has been classified as a Variant of Uncertain Significance.